The following is an entry in ClinVar:

ClinVar aggregate classification (germline): Pathogenic (1 of 4 stars; one submission).

Conditions:
Ehlers-Danlos syndrome, type 4 (EDSVASC). Also called: Ehlers-Danlos syndrome vascular type; Ehlers Danlos syndrome, ecchymotic type; Ehlers Danlos syndrome, arterial type; Ehlers Danlos syndrome, Sack-Barabas type; Ehlers-Danlos Syndrome Type IV. Identifiers: Orphanet 286, MedGen C0268338, MONDO:0017314, OMIM 130050.

Submission:

Labcorp Genetics (formerly Invitae), Labcorp
Classification: Pathogenic for Ehlers-Danlos syndrome, type 4. Last evaluated: 2020-07-03. Review status: criteria provided, single submitter. Criteria: Invitae Variant Classification Sherloc (09022015). Collection method: clinical testing. Allele origin: germline.
Comment: For these reasons, this variant has been classified as Pathogenic. Loss-of-function variants in COL3A1 are known to be pathogenic (PMID: 24922459). This variant has not been reported in the literature in individuals with COL3A1-related conditions. This variant is not present in population databases (ExAC no frequency). This sequence change creates a premature translational stop signal (p.Glu832*) in the COL3A1 gene. It is expected to result in an absent or disrupted protein product.

Literature cited by the submitters: PubMed 24922459.

NM_000090.4(COL3A1):c.2494G>T (p.Glu832Ter)

Gene: COL3A1 (collagen type III alpha 1 chain; plus strand). Cytogenetic location: 2q32.2.
Variant type: single nucleotide variant.
Coding change: c.2494G>T on transcript NM_000090.4 (MANE Select); coding-DNA position 2494, G replaced by T.
Protein change: p.Glu832Ter; replaces glutamic acid 832 with a stop codon.
Molecular consequence: nonsense.
Genome position (GRCh38, 1-based): chr2:189,003,003, G>T. VCF-style: chr2-189003003-G-T. GRCh37 (hg19) VCF-style: chr2-189867729-G-T.
Other names: short protein forms E832*.
Identifiers: ClinVar variation 1070675 (VCV001070675.7), dbSNP rs1460396340, ClinGen allele CA349842794.
Genomic context (GRCh38, chr2:189,003,003, plus strand): 5'-TGTTGCATGTAGGGACAGAATGGTGAACCTGGTGGTAAAGGAGAAAGAGGGGCTCCGGGT[G>T]AGAAAGGTGAAGGAGGCCCTCCTGGAGTTGCAGGACCCCCTGGAGGTTCTGGACCTGCTG-3'